The following is an entry in ClinVar:

ClinVar aggregate classification (germline): Conflicting classifications of pathogenicity. Review status: criteria provided, conflicting classifications (1 of 4 stars). 2 submissions from 2 submitters: Uncertain significance (1); Likely benign (1). Last evaluated 2023-03-23.

Conditions:
Hereditary cancer-predisposing syndrome. Also called: Neoplastic Syndromes, Hereditary; Tumor predisposition; Hereditary Cancer Syndrome; Hereditary neoplastic syndrome. Identifiers: Orphanet 140162, MedGen C0027672, MeSH D009386, MONDO:0015356.

Submissions (2):

University of Washington Department of Laboratory Medicine, University of Washington
Classification: Likely benign for Hereditary cancer-predisposing syndrome. Last evaluated: 2023-03-23. Review status: criteria provided, single submitter. Criteria: Dines et al. (Genet Med. 2020). Collection method: curation. Allele origin: germline.
Comment: Missense variant in a coldspot region where missense variants are very unlikely to be pathogenic (PMID:31911673).

BRCA1 coldspot (exon 11 using historical exon numbering). Reclassification based on statistical prior probability

Ambry Genetics
Classification: Uncertain significance for Hereditary cancer-predisposing syndrome. Last evaluated: 2022-07-01. Review status: criteria provided, single submitter. Criteria: Ambry Variant Classification Scheme 2023. Collection method: clinical testing. Allele origin: germline.
Comment: The p.E565V variant (also known as c.1694A>T), located in coding exon 9 of the BRCA1 gene, results from an A to T substitution at nucleotide position 1694. The glutamic acid at codon 565 is replaced by valine, an amino acid with dissimilar properties. This amino acid position is not well conserved in available vertebrate species. In addition, this alteration is predicted to be deleterious by in silico analysis. Since supporting evidence is limited at this time, the clinical significance of this alteration remains unclear.

NM_007294.4(BRCA1):c.1694A>T (p.Glu565Val)

Gene: BRCA1 (BRCA1 DNA repair associated; minus strand). Cytogenetic location: 17q21.31.
Variant type: single nucleotide variant.
Coding change: c.1694A>T on transcript NM_007294.4 (MANE Select); coding-DNA position 1694, A replaced by T.
Protein change: p.Glu565Val; replaces glutamic acid 565 with valine.
Molecular consequence: missense variant. On other transcripts: intron variant (137).
Genome position (GRCh38, 1-based): chr17:43,093,837, T>A on the plus strand (A>T on the coding strand, the complement: BRCA1 is on the minus strand). VCF-style: chr17-43093837-T-A. GRCh37 (hg19) VCF-style: chr17-41245854-T-A.
Other names: c.1568A>T, p.Glu523Val (NM_001407673.1, NM_001407685.1, NM_001407686.1 and 11 more transcripts); c.1571A>T, p.Glu524Val (NM_001407674.1, NM_001407675.1, NM_001407676.1 and 19 more transcripts); c.1694A>T, p.Glu565Val (NM_001407684.1, NM_001407854.1, NM_001407858.1 and 30 more transcripts); c.1553A>T, p.Glu518Val (NM_001407692.1, NM_001407694.1, NM_001407695.1 and 29 more transcripts); c.1550A>T, p.Glu517Val (NM_001407740.1, NM_001407741.1, NM_001407742.1 and 20 more transcripts); c.1481A>T, p.Glu494Val (NM_001407853.1, NM_001407894.1, NM_001407895.1 and 9 more transcripts); c.1691A>T, p.Glu564Val (NM_001407860.1, NM_001407861.1, NM_001407587.1 and 22 more transcripts); c.1493A>T, p.Glu498Val (NM_001407862.1); and 40 more; short protein forms E437V, E438V, E454V, E269V, E453V, E498V, E523V, E562V.
Identifiers: ClinVar variation 1778196 (VCV001778196.4), dbSNP rs2053899114, ClinGen allele CA10598640.